The following is an entry in ClinVar:

NM_004958.4(MTOR):c.6895C>A (p.Leu2299Met)

Gene: MTOR (mechanistic target of rapamycin kinase; minus strand). Cytogenetic location: 1p36.22.
Variant type: single nucleotide variant.
Coding change: c.6895C>A on transcript NM_004958.4 (MANE Select); coding-DNA position 6895, C replaced by A.
Protein change: p.Leu2299Met; replaces leucine 2299 with methionine.
Molecular consequence: missense variant.
Genome position (GRCh38, 1-based): chr1:11,121,284, G>T on the plus strand (C>A on the coding strand, the complement: MTOR is on the minus strand). VCF-style: chr1-11121284-G-T. GRCh37 (hg19) VCF-style: chr1-11181341-G-T.
Other names: c.6895C>A, p.Leu2299Met (NM_001386500.1); c.5647C>A, p.Leu1883Met (NM_001386501.1); short protein forms L2299M, L1883M.
Identifiers: ClinVar variation 4841041 (VCV004841041.2).

ClinVar aggregate classification (germline): Uncertain significance (1 of 4 stars; one submission).

Conditions:
Inborn genetic diseases. Identifiers: MedGen C0950123, MeSH D030342.

Submission:

Ambry Genetics
Classification: Uncertain significance for Inborn genetic diseases. Last evaluated: 2026-03-16. Review status: criteria provided, single submitter. Criteria: Ambry Variant Classification Scheme 2023. Collection method: clinical testing. Allele origin: germline.
Comment: The c.6895C>A (p.L2299M) alteration is located in exon 49 (coding exon 48) of the MTOR gene. This alteration results from a C to A substitution at nucleotide position 6895, causing the leucine (L) at amino acid position 2299 to be replaced by a methionine (M). This variant was not reported in population-based cohorts in the Genome Aggregation Database (gnomAD). This amino acid position is highly conserved in available vertebrate species. This missense variant is located in a region that has a low rate of benign missense variation (Lek, 2016; Firth, 2009). This alteration is predicted to be deleterious by in silico analysis. Based on insufficient or conflicting evidence, the clinical significance of this alteration remains unclear.